The following is an entry in ClinVar:

NM_018993.4(RIN2):c.1729C>G (p.Pro577Ala)

Gene: RIN2 (Ras and Rab interactor 2; plus strand). Cytogenetic location: 20p11.23.
Variant type: single nucleotide variant.
Coding change: c.1729C>G on transcript NM_018993.4 (MANE Select); coding-DNA position 1729, C replaced by G.
Protein change: p.Pro577Ala; replaces proline 577 with alanine.
Molecular consequence: missense variant.
Genome position (GRCh38, 1-based): chr20:19,975,754, C>G. VCF-style: chr20-19975754-C-G. GRCh37 (hg19) VCF-style: chr20-19956398-C-G.
Other names: c.1876C>G, p.Pro626Ala (NM_001242581.2); c.1111C>G, p.Pro371Ala (NM_001378238.1); short protein forms P577A, P371A, P626A.
Identifiers: ClinVar variation 1981935 (VCV001981935.3), dbSNP rs756703809, ClinGen allele CA312417001.

ClinVar aggregate classification (germline): Uncertain significance (1 of 4 stars; one submission).

Allele frequency attached by ClinVar (database versions not stated): gnomAD 0.00001.
gnomAD v4.1: 1 of 1,612,034 alleles (0.000062%); highest among the groups gnomAD compares: Admixed American, 0.0017%; no homozygotes.

Submission:

Labcorp Genetics (formerly Invitae), Labcorp
Classification: Uncertain significance. Last evaluated: 2024-05-15. Review status: criteria provided, single submitter. Criteria: Invitae Variant Classification Sherloc (09022015). Collection method: clinical testing. Allele origin: germline.
Comment: This sequence change replaces proline, which is neutral and non-polar, with alanine, which is neutral and non-polar, at codon 577 of the RIN2 protein (p.Pro577Ala). This variant is not present in population databases (gnomAD no frequency). This variant has not been reported in the literature in individuals affected with RIN2-related conditions. ClinVar contains an entry for this variant (Variation ID: 1981935). Experimental studies and prediction algorithms are not available or were not evaluated, and the functional significance of this variant is currently unknown. In summary, the available evidence is currently insufficient to determine the role of this variant in disease. Therefore, it has been classified as a Variant of Uncertain Significance.